The following is an entry in ClinVar:

ClinVar aggregate classification (germline): Uncertain significance. Review status: criteria provided, multiple submitters, no conflicts (2 of 4 stars). 2 submissions from 2 submitters: Uncertain significance (2). Last evaluated 2023-08-28.

Conditions:
Cardiovascular phenotype. Identifiers: MedGen CN230736.
Arrhythmogenic cardiomyopathy with wooly hair and keratoderma. Also called: PALMOPLANTAR KERATODERMA WITH LEFT VENTRICULAR CARDIOMYOPATHY AND WOOLLY HAIR; Carvajal syndrome; Dilated cardiomyopathy with woolly hair and keratoderma; Arrhythmogenic cardiomyopathy with woolly hair and keratoderma. Identifiers: Orphanet 65282, MedGen C1854063, MONDO:0011581, OMIM 605676.

Allele frequency attached by ClinVar (database versions not stated): gnomAD exomes 0.00001.
gnomAD v4.1: 17 of 1,614,166 alleles (0.0011%); highest among the groups gnomAD compares: Non-Finnish European, 0.0014%; no homozygotes.

Submissions (2):

All of Us Research Program, National Institutes of Health
Classification: Uncertain significance for Arrhythmogenic cardiomyopathy with wooly hair and keratoderma. Last evaluated: 2023-08-28. Review status: criteria provided, single submitter. Criteria: ACMG Guidelines, 2015. Collection method: clinical testing. Allele origin: germline. Inheritance: Autosomal dominant inheritance. Observed: 1 variant allele, 1 heterozygote.
Comment: This missense variant replaces histidine with tyrosine at codon 2195 of the DSP protein. Computational prediction suggests that this variant may not impact protein structure and function (internally defined REVEL score threshold <= 0.5, PMID: 27666373). To our knowledge, functional studies have not been reported for this variant. This variant has been reported in an individual suspected of having hypertrophic cardiomyopathy (PMID: 30847666). This variant has not been identified in the general population by the Genome Aggregation Database (gnomAD). The available evidence is insufficient to determine the role of this variant in disease conclusively. Therefore, this variant is classified as a Variant of Uncertain Significance.

This study involves interpretation of variants in research participants for the purpose of population health screening. Participant phenotype was not available at the time of variant classification. Additional details can be found in publication PMID: 35346344, PMCID: PMC8962531

Ambry Genetics
Classification: Uncertain significance for Cardiovascular phenotype. Last evaluated: 2021-08-17. Review status: criteria provided, single submitter. Criteria: Ambry Variant Classification Scheme 2023. Collection method: clinical testing. Allele origin: germline.
Comment: The p.H2195Y variant (also known as c.6583C>T), located in coding exon 24 of the DSP gene, results from a C to T substitution at nucleotide position 6583. The histidine at codon 2195 is replaced by tyrosine, an amino acid with similar properties. This variant was detected in a cardiomyopathy genetic testing cohort; however, clinical details were limited, and additional cardiac variants were detected (van Lint FHM et al. Neth Heart J, 2019 Jun;27:304-309). This amino acid position is not well conserved in available vertebrate species. In addition, this alteration is predicted to be tolerated by in silico analysis. Since supporting evidence is limited at this time, the clinical significance of this alteration remains unclear.

Literature cited by the submitters: PubMed 30847666 (cited by All of Us Research Program, National Institutes of Health and Ambry Genetics).

NM_004415.4(DSP):c.6583C>T (p.His2195Tyr)

Gene: DSP (desmoplakin; plus strand). Cytogenetic location: 6p24.3.
Variant type: single nucleotide variant.
Coding change: c.6583C>T on transcript NM_004415.4 (MANE Select); coding-DNA position 6583, C replaced by T.
Protein change: p.His2195Tyr; replaces histidine 2195 with tyrosine.
Molecular consequence: missense variant.
Genome position (GRCh38, 1-based): chr6:7,583,845, C>T. VCF-style: chr6-7583845-C-T. GRCh37 (hg19) VCF-style: chr6-7584078-C-T.
Other names: c.4786C>T, p.His1596Tyr (NM_001008844.3); c.5254C>T, p.His1752Tyr (NM_001319034.2); short protein forms H1596Y, H1752Y, H2195Y.
Identifiers: ClinVar variation 1754321 (VCV001754321.3), dbSNP rs2533942099, ClinGen allele CA362691107.